The following is an entry in ClinVar:

ClinVar aggregate classification (germline): Likely benign. Review status: criteria provided, multiple submitters, no conflicts (2 of 4 stars). 2 submissions from 2 submitters: Likely benign (2). Last evaluated 2018-08-27.

Conditions:
Koolen-de Vries syndrome (KDVS). Identifiers: Orphanet 96169, MedGen C1864871, MONDO:0012496, OMIM 610443.

Submissions (2):

Labcorp Genetics (formerly Invitae), Labcorp
Classification: Likely benign for Koolen-de Vries syndrome. Last evaluated: 2018-08-27. Review status: criteria provided, single submitter. Criteria: Invitae Variant Classification Sherloc (09022015). Collection method: clinical testing. Allele origin: germline.

GeneDx
Classification: Likely benign. Last evaluated: 2016-02-12. Review status: criteria provided, single submitter. Criteria: GeneDx Variant Classification (06012015). Collection method: clinical testing. Allele origin: germline. Affected: yes.
Comment: This variant is considered likely benign or benign based on one or more of the following criteria: it is a conservative change, it occurs at a poorly conserved position in the protein, it is predicted to be benign by multiple in silico algorithms, and/or has population frequency not consistent with disease.

NM_015443.4(KANSL1):c.2502A>G (p.Ala834=)

Gene: KANSL1 (KAT8 regulatory NSL complex subunit 1). Cytogenetic location: 17q21.31.
Variant type: single nucleotide variant.
Coding change: c.2502A>G on transcript NM_015443.4 (MANE Select); coding-DNA position 2502, A replaced by G.
Protein change: p.Ala834=; no amino-acid change (alanine 834 retained).
Molecular consequence: synonymous variant.
Genome position (GRCh38, 1-based): chr17:46,038,577, T>C on the plus strand (A>G on the coding strand, the complement: KANSL1 is on the minus strand). VCF-style: chr17-46038577-T-C. GRCh37 (hg19) VCF-style: chr17-44115943-T-C.
Other names: c.2502A>G, p.Ala834= (NM_001193465.2, NM_001193466.2, NM_001379198.1).
Identifiers: ClinVar variation 383680 (VCV000383680.10), dbSNP rs749802464, ClinGen allele CA16607695.